The following is an entry in ClinVar:

NM_000038.6(APC):c.305C>G (p.Ser102Cys)

Gene: APC (APC regulator of Wnt signaling pathway; plus strand). Cytogenetic location: 5q22.2.
Variant type: single nucleotide variant.
Coding change: c.305C>G on transcript NM_000038.6 (MANE Select); coding-DNA position 305, C replaced by G.
Protein change: p.Ser102Cys; replaces serine 102 with cysteine.
Molecular consequence: missense variant. On other transcripts: 5 prime UTR variant (1).
Genome position (GRCh38, 1-based): chr5:112,767,273, C>G. VCF-style: chr5-112767273-C-G. GRCh37 (hg19) VCF-style: chr5-112102970-C-G.
Other names: c.305C>G, p.Ser102Cys (NM_001127510.3, NM_001354895.2, NM_001354896.2 and 2 more transcripts); c.335C>G, p.Ser112Cys (NM_001127511.3, NM_001354897.2, NM_001354902.2); c.230C>G, p.Ser77Cys (NM_001354898.2, NM_001354904.2); c.128C>G, p.Ser43Cys (NM_001354900.2, NM_001354901.2, NM_001354905.2); c.-731C>G (NM_001354906.2); short protein forms S112C, S77C, S102C, S43C.
Identifiers: ClinVar variation 1375591 (VCV001375591.6), dbSNP rs2149788491, ClinGen allele CA16021994.
Genomic context (GRCh38, chr5:112,767,273, plus strand): 5'-TCCCTGGAGTAAAACTGCGGTCAAAAATGTCCCTCCGTTCTTATGGAAGCCGGGAAGGAT[C>G]TGTATCAAGCCGTTCTGGAGAGTGCAGTCCTGTTCCTATGGGTTCATTTCCAAGAAGAGG-3'
Protein context (NP_000029.2, residues 92-112): SLRSYGSREG[Ser102Cys]VSSRSGECSP

ClinVar aggregate classification (germline): Uncertain significance (1 of 4 stars; one submission).

Conditions:
Familial adenomatous polyposis 1 (FAP1). Also called: FAMILIAL ADENOMATOUS POLYPOSIS 1, ATTENUATED; POLYPOSIS, ADENOMATOUS INTESTINAL. Identifiers: MedGen C2713442, MONDO:0021056, OMIM 175100. Disease mechanism: loss of function.

Submission:

Labcorp Genetics (formerly Invitae), Labcorp
Classification: Uncertain significance for Familial adenomatous polyposis 1. Last evaluated: 2021-08-17. Review status: criteria provided, single submitter. Criteria: Invitae Variant Classification Sherloc (09022015). Collection method: clinical testing. Allele origin: germline.
Comment: This sequence change replaces serine with cysteine at codon 102 of the APC protein (p.Ser102Cys). The serine residue is highly conserved and there is a moderate physicochemical difference between serine and cysteine. This variant is not present in population databases (ExAC no frequency). This variant has not been reported in the literature in individuals affected with APC-related conditions. Algorithms developed to predict the effect of missense changes on protein structure and function (SIFT, PolyPhen-2, Align-GVGD) all suggest that this variant is likely to be disruptive. In summary, the available evidence is currently insufficient to determine the role of this variant in disease. Therefore, it has been classified as a Variant of Uncertain Significance.